The following is an entry in ClinVar:

ClinVar aggregate classification (germline): Uncertain significance (1 of 4 stars; one submission).

gnomAD v4.1: 1 of 1,612,914 alleles (0.000062%); highest among the groups gnomAD compares: Non-Finnish European, 0.000085%; no homozygotes.

Submission:

Labcorp Genetics (formerly Invitae), Labcorp
Classification: Uncertain significance. Last evaluated: 2024-01-15. Review status: criteria provided, single submitter. Criteria: Invitae Variant Classification Sherloc (09022015). Collection method: clinical testing. Allele origin: germline.
Comment: This sequence change replaces histidine, which is basic and polar, with arginine, which is basic and polar, at codon 495 of the AP3D1 protein (p.His495Arg). This variant is not present in population databases (gnomAD no frequency). This variant has not been reported in the literature in individuals affected with AP3D1-related conditions. An algorithm developed to predict the effect of missense changes on protein structure and function (PolyPhen-2) suggests that this variant is likely to be tolerated. In summary, the available evidence is currently insufficient to determine the role of this variant in disease. Therefore, it has been classified as a Variant of Uncertain Significance.

NM_001261826.3(AP3D1):c.1484A>G (p.His495Arg)

Gene: AP3D1 (adaptor related protein complex 3 subunit delta 1; minus strand). Cytogenetic location: 19p13.3.
Variant type: single nucleotide variant.
Coding change: c.1484A>G on transcript NM_001261826.3 (MANE Select); coding-DNA position 1484, A replaced by G.
Protein change: p.His495Arg; replaces histidine 495 with arginine.
Molecular consequence: missense variant.
Genome position (GRCh38, 1-based): chr19:2,118,830, T>C on the plus strand (A>G on the coding strand, the complement: AP3D1 is on the minus strand). VCF-style: chr19-2118830-T-C. GRCh37 (hg19) VCF-style: chr19-2118829-T-C.
Other names: c.1484A>G, p.His495Arg (NM_001374799.1, NM_003938.8); short protein forms H495R.
Identifiers: ClinVar variation 2972722 (VCV002972722.3), dbSNP rs2018531805, ClinGen allele CA403222374.
Genomic context (GRCh38, chr19:2,118,830, plus strand): 5'-GGCAGCGTGGTGACTCTGGGCCGCAGCATGGCCTCCAAAGTGTGGTGTGGTTCCTGCAGA[T>C]GCCTGAGGACAGGAAACACTGTGAGCCCCCAGGATGCCAATCCCGGGGCTCCTCTCTAGC-3'
Protein context (NP_001248755.1, residues 485-505): AAWICGEFSE[His495Arg]LQEPHHTLEA